The following is an entry in ClinVar:

NM_005228.5(EGFR):c.3224G>T (p.Gly1075Val)

Gene: EGFR (epidermal growth factor receptor; plus strand). Cytogenetic location: 7p11.2.
Variant type: single nucleotide variant.
Coding change: c.3224G>T on transcript NM_005228.5 (MANE Select); coding-DNA position 3224, G replaced by T.
Protein change: p.Gly1075Val; replaces glycine 1075 with valine.
Molecular consequence: missense variant.
Genome position (GRCh38, 1-based): chr7:55,202,578, G>T. VCF-style: chr7-55202578-G-T. GRCh37 (hg19) VCF-style: chr7-55270271-G-T.
Other names: c.3224G>T (NM_005228.3); c.3089G>T, p.Gly1030Val (NM_001346897.2, NM_001346899.2); c.3224G>T, p.Gly1075Val (NM_001346898.2); c.3065G>T, p.Gly1022Val (NM_001346900.2); c.2423G>T, p.Gly808Val (NM_001346941.2); short protein forms G1022V, G808V, G1030V, G1075V.
Identifiers: ClinVar variation 1435525 (VCV001435525.9), dbSNP rs1161834426, ClinGen allele CA367583390.
Genomic context (GRCh38, chr7:55,202,578, plus strand): 5'-TGCAAAGCTGTCCCATCAAGGAAGACAGCTTCTTGCAGCGATACAGCTCAGACCCCACAG[G>T]CGCCTTGACTGAGGACAGCATAGACGACACCTTCCTCCCAGTGCCTGGTGAGTGGCTTGT-3'
Protein context (NP_005219.2, residues 1065-1085): FLQRYSSDPT[Gly1075Val]ALTEDSIDDT

ClinVar aggregate classification (germline): Uncertain significance. Review status: criteria provided, multiple submitters, no conflicts (2 of 4 stars). 2 submissions from 2 submitters: Uncertain significance (2). Last evaluated 2025-10-26.

Conditions:
Hereditary cancer-predisposing syndrome. Also called: Neoplastic Syndromes, Hereditary; Hereditary Cancer Syndrome; Hereditary neoplastic syndrome; Tumor predisposition. Identifiers: Orphanet 140162, MedGen C0027672, MeSH D009386, MONDO:0015356.
EGFR-related lung cancer (EGFR). Identifiers: MedGen CN130014.

gnomAD v4.1: 4 of 1,613,524 alleles (0.00025%); highest among the groups gnomAD compares: Non-Finnish European, 0.00034%; no homozygotes.

Submissions (2):

Labcorp Genetics (formerly Invitae), Labcorp
Classification: Uncertain significance for EGFR-related lung cancer. Last evaluated: 2025-10-26. Review status: criteria provided, single submitter. Criteria: Invitae Variant Classification Sherloc (09022015). Collection method: clinical testing. Allele origin: germline.
Comment: This sequence change replaces glycine, which is neutral and non-polar, with valine, which is neutral and non-polar, at codon 1075 of the EGFR protein (p.Gly1075Val). This variant is not present in population databases (gnomAD no frequency). This variant has not been reported in the literature in individuals affected with EGFR-related conditions. ClinVar contains an entry for this variant (Variation ID: 1435525). An algorithm developed to predict the effect of missense changes on protein structure and function (PolyPhen-2) suggests that this variant is likely to be tolerated. In summary, the available evidence is currently insufficient to determine the role of this variant in disease. Therefore, it has been classified as a Variant of Uncertain Significance.

Ambry Genetics
Classification: Uncertain significance for Hereditary cancer-predisposing syndrome. Last evaluated: 2024-08-09. Review status: criteria provided, single submitter. Criteria: Ambry Variant Classification Scheme 2023. Collection method: clinical testing. Allele origin: germline.
Comment: The p.G1075V variant (also known as c.3224G>T), located in coding exon 27 of the EGFR gene, results from a G to T substitution at nucleotide position 3224. The glycine at codon 1075 is replaced by valine, an amino acid with dissimilar properties. This amino acid position is conserved. In addition, this alteration is predicted to be tolerated by in silico analysis. Based on the available evidence, the clinical significance of this variant remains unclear.